The following is an entry in ClinVar:

NM_005619.5(RTN2):c.1497+2T>C

Genes: OPA3-RTN2 (OPA3-RTN2 readthrough; minus strand), RTN2 (reticulon 2; minus strand). Cytogenetic location: 19q13.32.
Variant type: single nucleotide variant.
Coding change: c.1497+2T>C on transcript NM_005619.5 (MANE Select); the canonical splice donor site of the intron after coding-DNA position 1497, T replaced by C.
Molecular consequence: splice donor variant.
Genome position (GRCh38, 1-based): chr19:45,488,469, A>G on the plus strand (T>C on the coding strand, the complement: RTN2 is on the minus strand). VCF-style: chr19-45488469-A-G. GRCh37 (hg19) VCF-style: chr19-45991727-A-G.
Other names: NC_000019.9:g.45991727A>G; c.1278+2T>C (NM_206900.3); c.477+2T>C (NM_206901.3).
Identifiers: ClinVar variation 994450 (VCV000994450.3), dbSNP rs1421302939, ClinGen allele CA406354362.

ClinVar aggregate classification (germline): Likely pathogenic (1 of 4 stars; one submission).

Allele frequency attached by ClinVar (database versions not stated): TOPMed below 0.00001.

Submissions (2):

Athena Diagnostics
Classification: Likely pathogenic. Last evaluated: 2020-08-26. Review status: criteria provided, single submitter. Criteria: Athena Diagnostics criteria. Collection method: clinical testing. Allele origin: unknown.
Comment: This variant is expected to severely impact normal RNA splicing, and consequently, protein structure and/or function. This variant has not been reported in large, multi-ethnic general populations. This variant has been seen where an alternate explanation for disease was also identified, suggesting this variant may not cause disease.

Dr. Peter K. Rogan Lab, Western University
No classification provided (evidence only). Condition: Thyroid cancer, nonmedullary, 1. Review status: no classification provided. Collection method: in vitro. Allele origin: not applicable. Functional consequence: retained intron. Not counted in ClinVar's aggregate classification.

Literature cited by the submitters: PubMed 22232211 (cited by Athena Diagnostics).